The following is an entry in ClinVar:

NM_032634.4(PIGO):c.2996G>A (p.Arg999Gln)

Gene: PIGO (phosphatidylinositol glycan anchor biosynthesis class O; minus strand). Cytogenetic location: 9p13.3.
Variant type: single nucleotide variant.
Coding change: c.2996G>A on transcript NM_032634.4 (MANE Select); coding-DNA position 2996, G replaced by A.
Protein change: p.Arg999Gln; replaces arginine 999 with glutamine.
Molecular consequence: missense variant.
Genome position (GRCh38, 1-based): chr9:35,090,139, C>T on the plus strand (G>A on the coding strand, the complement: PIGO is on the minus strand). VCF-style: chr9-35090139-C-T. GRCh37 (hg19) VCF-style: chr9-35090136-C-T.
Other names: c.1745G>A, p.Arg582Gln (NM_001201484.2, NM_152850.4); short protein forms R582Q, R999Q.
Identifiers: ClinVar variation 1434010 (VCV001434010.6), dbSNP rs1160814644, ClinGen allele CA373317711.

ClinVar aggregate classification (germline): Uncertain significance (1 of 4 stars; one submission).

Conditions:
Hyperphosphatasia with impaired intellectual development syndrome 2. Also called: Hyperphosphatasia with intellectual disability syndrome 2; GLYCOSYLPHOSPHATIDYLINOSITOL BIOSYNTHESIS DEFECT 6. Identifiers: Orphanet 247262, MedGen C3553637, MONDO:0013882, OMIM 614749.

Allele frequency attached by ClinVar (database versions not stated): gnomAD 0.00001; TOPMed 0.00001; gnomAD exomes 0.00002.
gnomAD v4.1: 17 of 1,614,130 alleles (0.0011%); highest among the groups gnomAD compares: Admixed American, 0.0083%; no homozygotes.

Submission:

Labcorp Genetics (formerly Invitae), Labcorp
Classification: Uncertain significance for Hyperphosphatasia with impaired intellectual development syndrome 2. Last evaluated: 2024-09-23. Review status: criteria provided, single submitter. Criteria: Invitae Variant Classification Sherloc (09022015). Collection method: clinical testing. Allele origin: germline.
Comment: This sequence change replaces arginine, which is basic and polar, with glutamine, which is neutral and polar, at codon 999 of the PIGO protein (p.Arg999Gln). This variant is present in population databases (no rsID available, gnomAD 0.01%). This variant has not been reported in the literature in individuals affected with PIGO-related conditions. ClinVar contains an entry for this variant (Variation ID: 1434010). An algorithm developed to predict the effect of missense changes on protein structure and function (PolyPhen-2) suggests that this variant is likely to be disruptive. In summary, the available evidence is currently insufficient to determine the role of this variant in disease. Therefore, it has been classified as a Variant of Uncertain Significance.